The following is an entry in ClinVar:

ClinVar aggregate classification (germline): Uncertain significance (1 of 4 stars; one submission).

Conditions:
Cardiovascular phenotype. Identifiers: MedGen CN230736.

gnomAD v4.1: 1 of 1,577,598 alleles (0.000063%); highest among the groups gnomAD compares: Non-Finnish European, 0.000087%; no homozygotes.

Submission:

Ambry Genetics
Classification: Uncertain significance for Cardiovascular phenotype. Last evaluated: 2025-10-22. Review status: criteria provided, single submitter. Criteria: Ambry Variant Classification Scheme 2023. Collection method: clinical testing. Allele origin: germline.
Comment: The c.10690-1G>C intronic variant results from a G to C substitution one nucleotide upstream from coding exon 75 of the RYR2 gene. This nucleotide position is highly conserved in available vertebrate species. In silico splice site analysis predicts that this alteration will not have any significant effect on splicing. Alterations that disrupt the canonical splice site are expected to cause aberrant splicing, resulting in an abnormal protein or a transcript that is subject to nonsense-mediated mRNA decay. However, loss of function has not been established as a mechanism of disease. Based on the available evidence, the clinical significance of this alteration remains unclear.

NM_001035.3(RYR2):c.10690-1G>C

Gene: RYR2 (ryanodine receptor 2; plus strand). Cytogenetic location: 1q43.
Variant type: single nucleotide variant.
Coding change: c.10690-1G>C on transcript NM_001035.3 (MANE Select); the canonical splice acceptor site of the intron before coding-DNA position 10690, G replaced by C.
Molecular consequence: splice acceptor variant.
Genome position (GRCh38, 1-based): chr1:237,726,272, G>C. VCF-style: chr1-237726272-G-C. GRCh37 (hg19) VCF-style: chr1-237889572-G-C.
Identifiers: ClinVar variation 4614856 (VCV004614856.1).